The following is an entry in ClinVar:

ClinVar aggregate classification (germline): Uncertain significance (1 of 4 stars; one submission).

Conditions:
Baller-Gerold syndrome (BGS). Also called: CRANIOSYNOSTOSIS WITH RADIAL DEFECTS. Identifiers: Orphanet 1225, MedGen C0265308, MONDO:0009039, OMIM 218600.

Submission:

Labcorp Genetics (formerly Invitae), Labcorp
Classification: Uncertain significance for Baller-Gerold syndrome. Last evaluated: 2022-02-20. Review status: criteria provided, single submitter. Criteria: Invitae Variant Classification Sherloc (09022015). Collection method: clinical testing. Allele origin: germline.
Comment: This sequence change replaces glycine, which is neutral and non-polar, with alanine, which is neutral and non-polar, at codon 951 of the RECQL4 protein (p.Gly951Ala). In summary, the available evidence is currently insufficient to determine the role of this variant in disease. Therefore, it has been classified as a Variant of Uncertain Significance. Experimental studies and prediction algorithms are not available or were not evaluated, and the functional significance of this variant is currently unknown. This variant has not been reported in the literature in individuals affected with RECQL4-related conditions. This variant is not present in population databases (gnomAD no frequency).

NM_004260.4(RECQL4):c.2852G>C (p.Gly951Ala)

Gene: RECQL4 (RecQ like helicase 4; minus strand). Cytogenetic location: 8q24.3.
Variant type: single nucleotide variant.
Coding change: c.2852G>C on transcript NM_004260.4 (MANE Select); coding-DNA position 2852, G replaced by C.
Protein change: p.Gly951Ala; replaces glycine 951 with alanine.
Molecular consequence: missense variant.
Genome position (GRCh38, 1-based): chr8:144,512,675, C>G on the plus strand (G>C on the coding strand, the complement: RECQL4 is on the minus strand). VCF-style: chr8-144512675-C-G. GRCh37 (hg19) VCF-style: chr8-145738058-C-G.
Other names: c.2558G>C, p.Gly853Ala (NM_001413017.1); c.2654G>C, p.Gly885Ala (NM_001413018.1); c.2927G>C, p.Gly976Ala (NM_001413019.1); c.2756G>C, p.Gly919Ala (NM_001413020.1); c.1781G>C, p.Gly594Ala (NM_001413021.1, NM_001413022.1, NM_001413024.1 and 4 more transcripts); c.1856G>C, p.Gly619Ala (NM_001413023.1); c.1715G>C, p.Gly572Ala (NM_001413030.1, NM_001413027.1, NM_001413032.1); c.1583G>C, p.Gly528Ala (NM_001413031.1, NM_001413038.1); and 9 more; short protein forms G528A, G885A, G941A, G976A, G550A, G853A, G907A, G908A.
Identifiers: ClinVar variation 2099800 (VCV002099800.4), dbSNP rs2537991018, ClinGen allele CA372674003.
Genomic context (GRCh38, chr8:144,512,675, plus strand): 5'-GTCTCCAACTGGGCAGGGCGTGCTTACCTGTGGGCCAGGGCCTGGAGCTGGGCAGGGCCC[C>G]CAGGGCAGTTCAGACGGCAATGGGTATAGGTGGTCGCCAGCAGCTCCAGCCAGTGGTGTG-3'
Protein context (NP_004251.4, residues 941-961): TYTHCRLNCP[Gly951Ala]GPAQLQALAH